The following is an entry in ClinVar:

ClinVar aggregate classification (germline): Uncertain significance (1 of 4 stars; one submission).

Submission:

GeneDx
Classification: Uncertain significance. Last evaluated: 2025-06-12. Review status: criteria provided, single submitter. Criteria: GeneDx Variant Classification Process June 2021. Collection method: clinical testing. Allele origin: germline. Affected: yes.
Comment: Not observed at significant frequency in large population cohorts (gnomAD); In silico analysis supports that this missense variant has a deleterious effect on protein structure/function; Has not been previously published as pathogenic or benign to our knowledge

NM_001393504.1(MAST3):c.758A>G (p.Asp253Gly)

Gene: MAST3 (microtubule associated serine/threonine kinase 3; plus strand). Cytogenetic location: 19p13.11.
Variant type: single nucleotide variant.
Coding change: c.758A>G on transcript NM_001393504.1 (MANE Select); coding-DNA position 758, A replaced by G.
Protein change: p.Asp253Gly; replaces aspartic acid 253 with glycine.
Molecular consequence: missense variant.
Genome position (GRCh38, 1-based): chr19:18,124,063, A>G. VCF-style: chr19-18124063-A-G. GRCh37 (hg19) VCF-style: chr19-18234873-A-G.
Other names: c.782A>G, p.Asp261Gly (NM_001393501.1); c.761A>G, p.Asp254Gly (NM_001393502.1); c.758A>G, p.Asp253Gly (NM_001393503.1); c.755A>G, p.Asp252Gly (NM_001393505.1); c.710A>G, p.Asp237Gly (NM_001393506.1, NM_001393513.1); c.737A>G, p.Asp246Gly (NM_001393507.1); c.692A>G, p.Asp231Gly (NM_001393508.1, NM_001393516.1); c.689A>G, p.Asp230Gly (NM_001393509.1, NM_001393510.1, NM_001393512.1 and 2 more transcripts); and 4 more; short protein forms D215G, D223G, D224G, D229G, D230G, D231G, D237G, D246G.
Identifiers: ClinVar variation 4537739 (VCV004537739.1).